The following is an entry in ClinVar:

ClinVar aggregate classification (germline): Uncertain significance. Review status: criteria provided, multiple submitters, no conflicts (2 of 4 stars). 3 submissions from 3 submitters: Uncertain significance (3). Last evaluated 2022-12-25.

Conditions:
Severe combined immunodeficiency due to DNA-PKcs deficiency. Also called: IMMUNODEFICIENCY 26 WITH NEUROLOGIC ABNORMALITIES; Immunodeficiency 26 with or without neurologic abnormalities. Identifiers: Orphanet 317425, MedGen C4014833, MONDO:0014423, OMIM 615966.

Allele frequency attached by ClinVar (database versions not stated): ExAC 0.00007; gnomAD 0.00007; gnomAD exomes 0.00007 and 0.00010; TOPMed 0.00009.
gnomAD v4.1: 115 of 1,612,734 alleles (0.0071%); highest among the groups gnomAD compares: Non-Finnish European, 0.0086%; no homozygotes.

Submissions (3):

Ambry Genetics
Classification: Uncertain significance. Last evaluated: 2022-12-25. Review status: criteria provided, single submitter. Criteria: Ambry Variant Classification Scheme 2023. Collection method: clinical testing. Allele origin: germline.
Comment: The p.Q947L variant (also known as c.2840A>T), located in coding exon 25 of the PRKDC gene, results from an A to T substitution at nucleotide position 2840. The glutamine at codon 947 is replaced by leucine, an amino acid with dissimilar properties. This amino acid position is conserved. In addition, this alteration is predicted to be tolerated by in silico analysis. Since supporting evidence is limited at this time, the clinical significance of this alteration remains unclear.

Labcorp Genetics (formerly Invitae), Labcorp
Classification: Uncertain significance for Severe combined immunodeficiency due to DNA-PKcs deficiency. Last evaluated: 2022-09-07. Review status: criteria provided, single submitter. Criteria: Invitae Variant Classification Sherloc (09022015). Collection method: clinical testing. Allele origin: germline.
Comment: This sequence change replaces glutamine, which is neutral and polar, with leucine, which is neutral and non-polar, at codon 947 of the PRKDC protein (p.Gln947Leu). This variant is present in population databases (rs762709857, gnomAD 0.02%). This variant has not been reported in the literature in individuals affected with PRKDC-related conditions. ClinVar contains an entry for this variant (Variation ID: 639532). Experimental studies and prediction algorithms are not available or were not evaluated, and the functional significance of this variant is currently unknown. In summary, the available evidence is currently insufficient to determine the role of this variant in disease. Therefore, it has been classified as a Variant of Uncertain Significance.

Breakthrough Genomics
Classification: Uncertain significance. Review status: criteria provided, single submitter. Criteria: ACMG Guidelines, 2015. Collection method: not provided. Allele origin: germline. Inheritance: Autosomal recessive inheritance. Affected: yes.

NM_006904.7(PRKDC):c.2840A>T (p.Gln947Leu)

Gene: PRKDC (protein kinase, DNA-activated, catalytic subunit; minus strand). Cytogenetic location: 8q11.21.
Variant type: single nucleotide variant.
Coding change: c.2840A>T on transcript NM_006904.7 (MANE Select); coding-DNA position 2840, A replaced by T.
Protein change: p.Gln947Leu; replaces glutamine 947 with leucine.
Molecular consequence: missense variant.
Genome position (GRCh38, 1-based): chr8:47,912,504, T>A on the plus strand (A>T on the coding strand, the complement: PRKDC is on the minus strand). VCF-style: chr8-47912504-T-A. GRCh37 (hg19) VCF-style: chr8-48825064-T-A.
Other names: c.2840A>T, p.Gln947Leu (NM_001081640.2); short protein forms Q947L.
Identifiers: ClinVar variation 639532 (VCV000639532.5), dbSNP rs762709857, ClinGen allele CA4741354.
Genomic context (GRCh38, chr8:47,912,504, plus strand): 5'-GGAAACGTCCGCTTATAGAGCTGGTACATGGGTGGGGCTCCCTGTCCCCCTTCTGGCATC[T>A]GCGTGGCTTTGCCCAACATAAACATAACCATGCTATGTAAAAGTTCACAGGCTGCAACCT-3'
Protein context (NP_008835.5, residues 937-957): MVMFMLGKAT[Gln947Leu]MPEGGQGAPP